The following is an entry in ClinVar:

NM_032242.4(PLXNA1):c.1522A>T (p.Thr508Ser)

Gene: PLXNA1 (plexin A1; plus strand). Cytogenetic location: 3q21.3.
Variant type: single nucleotide variant.
Coding change: c.1522A>T on transcript NM_032242.4 (MANE Select); coding-DNA position 1522, A replaced by T.
Protein change: p.Thr508Ser; replaces threonine 508 with serine.
Molecular consequence: missense variant.
Genome position (GRCh38, 1-based): chr3:127,004,614, A>T. VCF-style: chr3-127004614-A-T. GRCh37 (hg19) VCF-style: chr3-126723457-A-T.
Other names: short protein forms T508S.
Identifiers: ClinVar variation 4989025 (VCV004989025.1).

ClinVar aggregate classification (germline): Uncertain significance (1 of 4 stars; one submission).

Conditions:
PLXNA1-related disorder. Also called: PLXNA1-related condition.

gnomAD v4.1: 4 of 1,567,410 alleles (0.00026%); highest among the groups gnomAD compares: Admixed American, 0.0038%; no homozygotes.

Submission:

PreventionGenetics, part of Exact Sciences
Classification: Uncertain significance for PLXNA1-related condition. Last evaluated: 2025-04-10. Review status: criteria provided, single submitter. Criteria: ACMG Guidelines, 2015. Collection method: clinical testing. Allele origin: germline.
Comment: The PLXNA1 c.1522A>T variant is predicted to result in the amino acid substitution p.Thr508Ser. To our knowledge, this variant has not been reported in the literature. This variant is reported in 0.0037% of alleles in individuals of Latino descent in gnomAD. At this time, the clinical significance of this variant is uncertain due to the absence of conclusive functional and genetic evidence.